The following is an entry in ClinVar:

NM_080473.5(GATA5):c.1021C>A (p.Pro341Thr)

Gene: GATA5 (GATA binding protein 5; minus strand). Cytogenetic location: 20q13.33.
Variant type: single nucleotide variant.
Coding change: c.1021C>A on transcript NM_080473.5 (MANE Select); coding-DNA position 1021, C replaced by A.
Protein change: p.Pro341Thr; replaces proline 341 with threonine.
Molecular consequence: missense variant.
Genome position (GRCh38, 1-based): chr20:62,465,357, G>T on the plus strand (C>A on the coding strand, the complement: GATA5 is on the minus strand). VCF-style: chr20-62465357-G-T. GRCh37 (hg19) VCF-style: chr20-61040413-G-T.
Other names: short protein forms P341T.
Identifiers: ClinVar variation 4765761 (VCV004765761.1).

ClinVar aggregate classification (germline): Uncertain significance (1 of 4 stars; one submission).

gnomAD v4.1: 3 of 1,600,612 alleles (0.00019%); highest among the groups gnomAD compares: Non-Finnish European, 0.00025%; no homozygotes.

Submission:

Labcorp Genetics (formerly Invitae), Labcorp
Classification: Uncertain significance. Last evaluated: 2025-04-08. Review status: criteria provided, single submitter. Criteria: Invitae Variant Classification Sherloc (09022015). Collection method: clinical testing. Allele origin: germline.
Comment: This sequence change replaces proline, which is neutral and non-polar, with threonine, which is neutral and polar, at codon 341 of the GATA5 protein (p.Pro341Thr). This variant is not present in population databases (gnomAD no frequency). This variant has not been reported in the literature in individuals affected with GATA5-related conditions. Invitae Evidence Modeling of protein sequence and biophysical properties (such as structural, functional, and spatial information, amino acid conservation, physicochemical variation, residue mobility, and thermodynamic stability) indicates that this missense variant is not expected to disrupt GATA5 protein function with a negative predictive value of 80%. In summary, the available evidence is currently insufficient to determine the role of this variant in disease. Therefore, it has been classified as a Variant of Uncertain Significance.